The following is an entry in ClinVar:

NM_001347702.2(SYNE1):c.1442-2A>G

Gene: SYNE1 (spectrin repeat containing nuclear envelope protein 1; minus strand). Cytogenetic location: 6q25.2.
Variant type: single nucleotide variant.
Coding change: c.1442-2A>G on transcript NM_001347702.2 (MANE Plus Clinical); the canonical splice acceptor site of the intron before coding-DNA position 1442, A replaced by G.
Molecular consequence: splice acceptor variant. On other transcripts: intron variant (2).
Genome position (GRCh38, 1-based): chr6:152,145,557, T>C on the plus strand (A>G on the coding strand, the complement: SYNE1 is on the minus strand). VCF-style: chr6-152145557-T-C. GRCh37 (hg19) VCF-style: chr6-152466692-T-C.
Other names: c.24977-1792A>G (NM_182961.4); c.24764-2A>G (NM_033071.5); c.1583-1792A>G (NM_001347701.2).
Identifiers: ClinVar variation 4845768 (VCV004845768.1).

ClinVar aggregate classification (germline): Likely pathogenic (1 of 4 stars; one submission).

Conditions:
Arthrogryposis multiplex congenita 3, myogenic type. Also called: ARTHROGRYPOSIS MULTIPLEX CONGENITA, MYOGENIC TYPE. Identifiers: MedGen C5193121, MONDO:0032778, OMIM 618484.
Autosomal recessive ataxia, Beauce type. Also called: Spinocerebellar ataxia, autosomal recessive 8; ATAXIA, RECESSIVE, OF BEAUCE; SYNE1 Deficiency; SYNE1-Related Autosomal Recessive Cerebellar Ataxia. Identifiers: Orphanet 88644, MedGen C1853116, MONDO:0012549, OMIM 610743.

Submission:

First Genomix Gene Laboratory, Genetic Diagnostics Department
Classification: Likely pathogenic for Arthrogryposis multiplex congenita 3, myogenic type; Autosomal recessive ataxia, Beauce type. Last evaluated: 2025-03-20. Review status: criteria provided, single submitter. Criteria: ACMG Guidelines, 2015. Collection method: clinical testing. Allele origin: germline. Inheritance: Autosomal recessive inheritance. Affected: no. Observed: 1 variant allele.